The following is an entry in ClinVar:

NM_000428.3(LTBP2):c.4912G>A (p.Val1638Met)

Gene: LTBP2 (latent transforming growth factor beta binding protein 2; minus strand). Cytogenetic location: 14q24.3.
Variant type: single nucleotide variant.
Coding change: c.4912G>A on transcript NM_000428.3 (MANE Select); coding-DNA position 4912, G replaced by A.
Protein change: p.Val1638Met; replaces valine 1638 with methionine.
Molecular consequence: missense variant.
Genome position (GRCh38, 1-based): chr14:74,502,911, C>T on the plus strand (G>A on the coding strand, the complement: LTBP2 is on the minus strand). VCF-style: chr14-74502911-C-T. GRCh37 (hg19) VCF-style: chr14-74969614-C-T.
Other names: short protein forms V1638M.
Identifiers: ClinVar variation 126958 (VCV000126958.8), dbSNP rs137854860, ClinGen allele CA151349.

ClinVar aggregate classification (germline): Uncertain significance. Review status: criteria provided, multiple submitters, no conflicts (2 of 4 stars). 5 submissions from 5 submitters: Uncertain significance (4). 1 of the submissions does not count toward it. Last evaluated 2024-10-07.

Conditions:
Glaucoma 3, primary infantile, B. Also called: GLC3B; GLAUCOMA, PRIMARY CONGENITAL, TYPE B; GLC3 type B; Primary congenital glaucoma type 3B; Glaucoma primary congenita type 3B. Identifiers: Orphanet 98976, MedGen C1832977, MONDO:0010968, OMIM 600975.
Microspherophakia and/or megalocornea, with ectopia lentis and with or without secondary glaucoma (MSPKA). Identifiers: Orphanet 238763, MedGen C3538951, MONDO:0009633, OMIM 251750.
Glaucoma 3, primary congenital, D. Identifiers: Orphanet 98976, MedGen C2751316, MONDO:0013122, OMIM 613086.
Weill-Marchesani syndrome 3 (WMS3). Also called: LTBP2-Related Weill-Marchesani Syndrome; Weill-Marchesani syndrome 3, recessive. Identifiers: Orphanet 3449, MedGen C3553785, MONDO:0013899, OMIM 614819.
Primary open angle glaucoma (POAG). Also called: OPTN-related open angle glaucoma. Identifiers: MedGen C0339573, MONDO:0100553, OMIM 137760.

Allele frequency attached by ClinVar (database versions not stated): gnomAD exomes 0.00008; ExAC 0.00019; ESP Exome Variant Server 0.00031; gnomAD 0.00041; TOPMed 0.00043.
gnomAD v4.1: 174 of 1,612,378 alleles (0.011%); highest among the groups gnomAD compares: Middle Eastern, 0.12%; no homozygotes.

Submissions (5):

Blueprint Genetics
Classification: Uncertain significance. Last evaluated: 2024-10-07. Review status: criteria provided, single submitter. Criteria: ACMG Guidelines, 2015. Collection method: clinical testing. Allele origin: germline.

Labcorp Genetics (formerly Invitae), Labcorp
Classification: Uncertain significance. Last evaluated: 2024-01-15. Review status: criteria provided, single submitter. Criteria: Invitae Variant Classification Sherloc (09022015). Collection method: clinical testing. Allele origin: germline.
Comment: This sequence change replaces valine, which is neutral and non-polar, with methionine, which is neutral and non-polar, at codon 1638 of the LTBP2 protein (p.Val1638Met). This variant is present in population databases (rs137854860, gnomAD 0.08%). This missense change has been observed in individual(s) with glaucoma (PMID: 23401661). ClinVar contains an entry for this variant (Variation ID: 126958). An algorithm developed to predict the effect of missense changes on protein structure and function (PolyPhen-2) suggests that this variant is likely to be disruptive. In summary, the available evidence is currently insufficient to determine the role of this variant in disease. Therefore, it has been classified as a Variant of Uncertain Significance.

New York Genome Center
Classification: Uncertain significance for Weill-Marchesani syndrome 3; Microspherophakia and/or megalocornea, with ectopia lentis and with or without secondary glaucoma. Last evaluated: 2023-05-10. Review status: criteria provided, single submitter. Criteria: NYGC Assertion Criteria 2020. Collection method: clinical testing. Allele origin: inherited. Observed: 1 heterozygote.

Fulgent Genetics
Classification: Uncertain significance for Microspherophakia and/or megalocornea, with ectopia lentis and with or without secondary glaucoma; Glaucoma 3, primary infantile, B; Glaucoma 3, primary congenital, D; Weill-Marchesani syndrome 3. Last evaluated: 2022-05-03. Review status: criteria provided, single submitter. Criteria: ACMG Guidelines, 2015. Collection method: clinical testing. Allele origin: unknown.

Elahi Laboratory, University of Tehran
Classification: Likely pathogenic for Primary open angle glaucoma. Review status: no assertion criteria provided. Collection method: not provided. Allele origin: unknown. Not counted in ClinVar's aggregate classification.
ClinVar note: Converted during submission from probable-pathogenic to Likely pathogenic.

Literature cited by the submitters: PubMed 23401661 (cited by Labcorp Genetics (formerly Invitae), Labcorp).